The following is an entry in ClinVar:

ClinVar aggregate classification (germline): Pathogenic (1 of 4 stars; one submission).

Conditions:
Charcot-Marie-Tooth disease axonal type 2V. Also called: CHARCOT-MARIE-TOOTH NEUROPATHY, TYPE 2V; CHARCOT-MARIE-TOOTH DISEASE, AXONAL, AUTOSOMAL DOMINANT, TYPE 2V. Identifiers: Orphanet 447964, MedGen C5569050, MONDO:0014665, OMIM 616491.
Mucopolysaccharidosis, MPS-III-B (MPS3B). Also called: MPS IIIB (Sanfilippo Syndrome Type B); N-ACETYL-ALPHA-D-GLUCOSAMINIDASE DEFICIENCY; NAGLU DEFICIENCY; MUCOPOLYSACCHARIDOSIS, TYPE IIIB; Mucopolysaccharidosis type IIIB (Sanfilippo B); SANFILIPPO SYNDROME B. Identifiers: Orphanet 79270, MedGen C0086648, MONDO:0009656, OMIM 252920.

Submission:

Labcorp Genetics (formerly Invitae), Labcorp
Classification: Pathogenic for Charcot-Marie-Tooth disease axonal type 2V; Mucopolysaccharidosis, MPS-III-B. Last evaluated: 2021-07-24. Review status: criteria provided, single submitter. Criteria: Invitae Variant Classification Sherloc (09022015). Collection method: clinical testing. Allele origin: germline.
Comment: For these reasons, this variant has been classified as Pathogenic. This variant disrupts the C-terminus of the NAGLU protein. Other variant(s) that disrupt this region (p.Gln706*) have been determined to be pathogenic (PMID: 9443875, 29661560). This suggests that variants that disrupt this region of the protein are likely to be causative of disease. This variant has not been reported in the literature in individuals with NAGLU-related conditions. This variant is not present in population databases (ExAC no frequency). This sequence change creates a premature translational stop signal (p.Gln524*) in the NAGLU gene. While this is not anticipated to result in nonsense mediated decay, it is expected to disrupt the last 220 amino acid(s) of the NAGLU protein.

Literature cited by the submitters: PubMed 9443875; PubMed 29661560.

NM_000263.4(NAGLU):c.1570C>T (p.Gln524Ter)

Gene: NAGLU (N-acetyl-alpha-glucosaminidase; plus strand). Cytogenetic location: 17q21.2.
Variant type: single nucleotide variant.
Coding change: c.1570C>T on transcript NM_000263.4 (MANE Select); coding-DNA position 1570, C replaced by T.
Protein change: p.Gln524Ter; replaces glutamine 524 with a stop codon.
Molecular consequence: nonsense.
Genome position (GRCh38, 1-based): chr17:42,543,576, C>T. VCF-style: chr17-42543576-C-T. GRCh37 (hg19) VCF-style: chr17-40695594-C-T.
Other names: short protein forms Q524*.
Identifiers: ClinVar variation 1409649 (VCV001409649.8), dbSNP rs2143111795, ClinGen allele CA399604191.